The following is an entry in ClinVar:

ClinVar aggregate classification (germline): Pathogenic. Review status: reviewed by expert panel (3 of 4 stars). 3 submissions from 3 submitters: Pathogenic (1). 2 of the submissions do not count toward it. Last evaluated 2022-03-14.

Conditions:
Malignant hyperthermia, susceptibility to, 1 (MHS1). Also called: RYR1-Related Malignant Hyperthermia Susceptibility; Anesthesia related hyperthermia; Malignant hyperpyrexia; Fulminating hyperpyrexia; Pharmacogenic myopathy; Malignant hyperthermia suceptibility 1. Identifiers: Orphanet 423, MedGen C2930980, MONDO:0007783, OMIM 145600.

Submissions (3):

ClinGen Malignant Hyperthermia Susceptibility Variant Curation Expert Panel, ClinGen
Classification: Pathogenic for Malignant hyperthermia, susceptibility to, 1. Last evaluated: 2022-03-14. Review status: reviewed by expert panel. Criteria: RYR1-MHS Interpretation Guidelines V2. Collection method: curation. Allele origin: germline. Inheritance: Autosomal dominant inheritance.
Comment: This pathogenicity assessment is relevant only for malignant hyperthermia susceptibility (MHS) inherited in an autosomal dominant pattern. Variants in RYR1 can also cause other myopathies inherited in an autosomal dominant pattern or in an autosomal recessive pattern. Some of these disorders may predispose individuals to malignant hyperthermia. RYR1 variants may also contribute to a malignant hyperthermia reaction in combination with other genetic and non-genetic factors and the clinician needs to consider such factors in making management decisions. This sequence variant predicts a substitution of Glycine with Arginine at codon 341 of the RYR1 protein, p.(Gly341Arg), c.1021G>C. This variant was not present in a large population database (gnomAD) at the time this variant was interpreted. This variant has been reported in five unrelated individuals who have a personal or family history of a malignant hyperthermia reaction, four of these individuals had a positive in vitro contracture test (IVCT) or caffeine halothane contracture test (CHCT) result (if the proband was unavailable for testing, a positive diagnostic test result in a mutation-positive relative was counted), PS4_Moderate (PMID:12059893, PMID:16163667, PMID:30236257 ). This variant segregates with MHS in five individuals/families, PP1_Moderate (PMID:12059893, PMID:12411788). Functional studies in HEK293 cells show an increased sensitivity to RYR1 agonists, PS3_Moderate (PMID:9334205). This variant resides in a region of RYR1 considered to be a hotspot for pathogenic variants that contribute to MHS, use PM1_Supporting to avoid overweighting with PS1 (PMID: 21118704). Another variant has been assessed as pathogenic occurs at this codon, p.(Gly341Arg, c.1021G>A), PS1. This variant segregates with MHS in two individuals (PMID:12059893). A REVEL score >0.85 (0.876) supports a pathogenic status for this variant, PP3_Moderate. This variant has been classified as Pathogenic. Criteria implemented: PS4_Moderate, PS3_Moderate, PM1_Supporting, PS1, PP1_Moderate, PP3_Moderate.

Clinical Genetics Service, Universitary Hospital 12 de Octubre
Classification: Likely pathogenic for Malignant hyperthermia, susceptibility to, 1. Review status: criteria provided, single submitter. Criteria: ACMG Guidelines, 2015. Collection method: clinical testing. Allele origin: germline. Affected: yes. Not counted in ClinVar's aggregate classification.

RYR1 database
No classification provided. Review status: no classification provided. Collection method: not provided. Allele origin: unknown. Not counted in ClinVar's aggregate classification.

NM_000540.3(RYR1):c.1021G>C (p.Gly341Arg)

Gene: RYR1 (ryanodine receptor 1; plus strand). Cytogenetic location: 19q13.2.
Variant type: single nucleotide variant.
Coding change: c.1021G>C on transcript NM_000540.3 (MANE Select); coding-DNA position 1021, G replaced by C.
Protein change: p.Gly341Arg; replaces glycine 341 with arginine.
Molecular consequence: missense variant.
Genome position (GRCh38, 1-based): chr19:38,448,712, G>C. VCF-style: chr19-38448712-G-C. GRCh37 (hg19) VCF-style: chr19-38939352-G-C.
Other names: NM_000540.2(RYR1):c.1021G>C; c.1021G>C, p.Gly341Arg (NM_001042723.2); short protein forms G341R.
Identifiers: ClinVar variation 132992 (VCV000132992.3), dbSNP rs121918592, ClinGen allele CA023828.